The following is an entry in ClinVar:

ClinVar aggregate classification (germline): Uncertain significance (1 of 4 stars; one submission).

Allele frequency attached by ClinVar (database versions not stated): TOPMed below 0.00001; ExAC 0.00001.

Submission:

Labcorp Genetics (formerly Invitae), Labcorp
Classification: Uncertain significance. Last evaluated: 2022-04-07. Review status: criteria provided, single submitter. Criteria: Invitae Variant Classification Sherloc (09022015). Collection method: clinical testing. Allele origin: germline.
Comment: This sequence change replaces valine, which is neutral and non-polar, with methionine, which is neutral and non-polar, at codon 44 of the SPINT2 protein (p.Val44Met). This variant is present in population databases (rs746707446, gnomAD 0.0009%). This variant has not been reported in the literature in individuals affected with SPINT2-related conditions. Algorithms developed to predict the effect of missense changes on protein structure and function are either unavailable or do not agree on the potential impact of this missense change (SIFT: "Deleterious"; PolyPhen-2: "Probably Damaging"; Align-GVGD: "Class C15"). In summary, the available evidence is currently insufficient to determine the role of this variant in disease. Therefore, it has been classified as a Variant of Uncertain Significance.

NM_021102.4(SPINT2):c.130G>A (p.Val44Met)

Gene: SPINT2 (serine peptidase inhibitor, Kunitz type 2; plus strand). Cytogenetic location: 19q13.2.
Variant type: single nucleotide variant.
Coding change: c.130G>A on transcript NM_021102.4 (MANE Select); coding-DNA position 130, G replaced by A.
Protein change: p.Val44Met; replaces valine 44 with methionine.
Molecular consequence: missense variant. On other transcripts: intron variant (1).
Genome position (GRCh38, 1-based): chr19:38,283,650, G>A. VCF-style: chr19-38283650-G-A. GRCh37 (hg19) VCF-style: chr19-38774290-G-A.
Other names: c.107-4226G>A (NM_001166103.2); short protein forms V44M.
Identifiers: ClinVar variation 1964922 (VCV001964922.5), dbSNP rs746707446, ClinGen allele CA9411326.